The following is an entry in ClinVar:

NM_013339.4(ALG6):c.1387_1388del (p.Pro463fs)

Gene: ALG6 (ALG6 alpha-1,3-glucosyltransferase; plus strand). Cytogenetic location: 1p31.3.
Variant type: Deletion.
Coding change: c.1387_1388del on transcript NM_013339.4 (MANE Select); coding-DNA positions 1387 to 1388, 2 bases deleted (CC; older notation c.1387_1388delCC).
Protein change: p.Pro463fs; shifts the reading frame from proline 463.
Molecular consequence: frameshift variant.
Genome position (GRCh38, 1-based): chr1:63,436,883-63,436,884, CC deleted. VCF-style (leftmost placement, unchanged base first): chr1-63436882-TCC-T. GRCh37 (hg19) VCF-style: chr1-63902553-TCC-T.
Other names: c.1387_1388del, p.Pro463fs (LRG_1260t1); short protein forms P463fs.
Identifiers: ClinVar variation 555103 (VCV000555103.9), dbSNP rs774242915, ClinGen allele CA888443.

ClinVar aggregate classification (germline): Pathogenic/Likely pathogenic. Review status: criteria provided, multiple submitters, no conflicts (2 of 4 stars). 4 submissions from 4 submitters: Pathogenic (1); Likely pathogenic (2). 1 of the submissions does not count toward it. Last evaluated 2025-10-23.

Conditions:
ALG6-congenital disorder of glycosylation 1C (CDG1C). Also called: CARBOHYDRATE-DEFICIENT GLYCOPROTEIN SYNDROME, TYPE I, WITH DEFICIENT GLYCOSYLATION OF DOLICHOL-LINKED OLIGOSACCHARIDE; CARBOHYDRATE-DEFICIENT GLYCOPROTEIN SYNDROME, TYPE V; Congenital disorder of glycosylation type 1C; Congenital disorder of glycosylation, type Ic; CDG Ic. Identifiers: Orphanet 79320, MedGen C2930997, MONDO:0011291, OMIM 603147.

Allele frequency attached by ClinVar (database versions not stated): gnomAD exomes below 0.00001 and 0.00001; ExAC 0.00001; gnomAD 0.00002; TOPMed 0.00004.

Submissions (4):

Labcorp Genetics (formerly Invitae), Labcorp
Classification: Pathogenic for ALG6-congenital disorder of glycosylation 1C. Last evaluated: 2025-10-23. Review status: criteria provided, single submitter. Criteria: Invitae Variant Classification Sherloc (09022015). Collection method: clinical testing. Allele origin: germline.
Comment: This sequence change creates a premature translational stop signal (p.Pro463Serfs*27) in the ALG6 gene. While this is not anticipated to result in nonsense mediated decay, it is expected to disrupt the last 45 amino acid(s) of the ALG6 protein. This variant is present in population databases (rs774242915, gnomAD 0.02%). This variant has not been reported in the literature in individuals affected with ALG6-related conditions. ClinVar contains an entry for this variant (Variation ID: 555103). This variant disrupts a region of the ALG6 protein in which other variant(s) (p.Ser478Pro) have been determined to be pathogenic (PMID: 10914684). This suggests that this is a clinically significant region of the protein, and that variants that disrupt it are likely to be disease-causing. For these reasons, this variant has been classified as Pathogenic.

Fulgent Genetics
Classification: Likely pathogenic for ALG6-congenital disorder of glycosylation 1C. Last evaluated: 2024-06-25. Review status: criteria provided, single submitter. Criteria: ACMG Guidelines, 2015. Collection method: clinical testing. Allele origin: germline.

Baylor Genetics
Classification: Likely pathogenic for ALG6-congenital disorder of glycosylation 1C. Last evaluated: 2023-09-21. Review status: criteria provided, single submitter. Criteria: ACMG Guidelines, 2015. Collection method: clinical testing. Allele origin: unknown.

Counsyl
Classification: Uncertain significance for ALG6-congenital disorder of glycosylation 1C. Last evaluated: 2017-11-22. Review status: no assertion criteria provided. Collection method: clinical testing. Allele origin: unknown. Not counted in ClinVar's aggregate classification.

Literature cited by the submitters: PubMed 10914684 (cited by Labcorp Genetics (formerly Invitae), Labcorp).